The following is an entry in ClinVar:

ClinVar aggregate classification (germline): Pathogenic (1 of 4 stars; one submission).

Conditions:
Ehlers-Danlos syndrome, classic type, 1 (EDSCL1). Also called: EHLERS-DANLOS SYNDROME, GRAVIS TYPE; EHLERS-DANLOS SYNDROME, SEVERE CLASSIC TYPE; Ehlers-Danlos syndrome, type 1; Ehlers-Danlos Syndrome, Classic Type, COL5A1-Related; EDS I. Identifiers: MedGen C0268335, MONDO:0019567, OMIM 130000.
Osteogenesis imperfecta type I (OI1). Also called: OI, TYPE I; OSTEOGENESIS IMPERFECTA TARDA; OSTEOGENESIS IMPERFECTA WITH BLUE SCLERAE; Osteogenesis imperfecta type 1; Lobstein's Disease; Lobstein disease. Identifiers: Orphanet 216796, Orphanet 666, MedGen C0023931, MONDO:0008146, OMIM 166200. Disease mechanism: loss of function.

Submission:

Labcorp Genetics (formerly Invitae), Labcorp
Classification: Pathogenic for Osteogenesis imperfecta type I; Ehlers-Danlos syndrome, classic type, 1. Last evaluated: 2024-04-26. Review status: criteria provided, single submitter. Criteria: Invitae Variant Classification Sherloc (09022015). Collection method: clinical testing. Allele origin: germline.
Comment: This sequence change replaces glycine, which is neutral and non-polar, with valine, which is neutral and non-polar, at codon 379 of the COL1A2 protein (p.Gly379Val). This variant is not present in population databases (gnomAD no frequency). This missense change has been observed in individual(s) with osteogenesis imperfecta (Invitae). Advanced modeling of protein sequence and biophysical properties (such as structural, functional, and spatial information, amino acid conservation, physicochemical variation, residue mobility, and thermodynamic stability) performed at Invitae indicates that this missense variant is expected to disrupt COL1A2 protein function with a positive predictive value of 95%. This variant disrupts the triple helix domain of COL1A2. Glycine residues within the Gly-Xaa-Yaa repeats of the triple helix domain are required for the structure and stability of fibrillar collagens (PMID: 7695699, 8218237, 19344236). In COL1A2, variants affecting these glycine residues are significantly enriched in individuals with disease (PMID: 9016532, 17078022) compared to the general population (ExAC). This variant disrupts the p.Gly379 amino acid residue in COL1A2. Other variant(s) that disrupt this residue have been observed in individuals with COL1A2-related conditions (PMID: 27509835; Invitae), which suggests that this may be a clinically significant amino acid residue. For these reasons, this variant has been classified as Pathogenic.

Literature cited by the submitters: PubMed 7695699; PubMed 8218237; PubMed 19344236; PubMed 9016532; PubMed 17078022; PubMed 27509835.

NM_000089.4(COL1A2):c.1136G>T (p.Gly379Val)

Gene: COL1A2 (collagen type I alpha 2 chain; plus strand). Cytogenetic location: 7q21.3.
Variant type: single nucleotide variant.
Coding change: c.1136G>T on transcript NM_000089.4 (MANE Select); coding-DNA position 1136, G replaced by T.
Protein change: p.Gly379Val; replaces glycine 379 with valine.
Molecular consequence: missense variant.
Genome position (GRCh38, 1-based): chr7:94,410,466, G>T. VCF-style: chr7-94410466-G-T. GRCh37 (hg19) VCF-style: chr7-94039778-G-T.
Other names: short protein forms G379V.
Identifiers: ClinVar variation 3756077 (VCV003756077.2).